The following is an entry in ClinVar:

NM_018475.5(TMEM165):c.27C>G (p.Gly9=)

Genes: TMEM165 (transmembrane protein 165; plus strand), LOC129992613 (ATAC-STARR-seq lymphoblastoid silent region 15439; plus strand). Cytogenetic location: 4q12.
Variant type: single nucleotide variant.
Coding change: c.27C>G on transcript NM_018475.5 (MANE Select); coding-DNA position 27, C replaced by G.
Protein change: p.Gly9=; no amino-acid change (glycine 9 retained).
Molecular consequence: synonymous variant. On other transcripts: non-coding transcript variant (1).
Genome position (GRCh38, 1-based): chr4:55,396,216, C>G. VCF-style: chr4-55396216-C-G. GRCh37 (hg19) VCF-style: chr4-56262383-C-G.
Identifiers: ClinVar variation 386518 (VCV000386518.1), dbSNP rs1057522519, ClinGen allele CA16604732.

ClinVar aggregate classification (germline): Likely benign (1 of 4 stars; one submission).

Submission:

GeneDx
Classification: Likely benign. Last evaluated: 2016-06-18. Review status: criteria provided, single submitter. Criteria: GeneDx Variant Classification (06012015). Collection method: clinical testing. Allele origin: germline. Affected: yes.
Comment: This variant is considered likely benign or benign based on one or more of the following criteria: it is a conservative change, it occurs at a poorly conserved position in the protein, it is predicted to be benign by multiple in silico algorithms, and/or has population frequency not consistent with disease.